The following is an entry in ClinVar:

NM_005633.4(SOS1):c.929G>A (p.Arg310His)

Gene: SOS1 (SOS Ras/Rac guanine nucleotide exchange factor 1; minus strand). Cytogenetic location: 2p22.1.
Variant type: single nucleotide variant.
Coding change: c.929G>A on transcript NM_005633.4 (MANE Select); coding-DNA position 929, G replaced by A.
Protein change: p.Arg310His; replaces arginine 310 with histidine.
Molecular consequence: missense variant.
Genome position (GRCh38, 1-based): chr2:39,035,436, C>T on the plus strand (G>A on the coding strand, the complement: SOS1 is on the minus strand). VCF-style: chr2-39035436-C-T. GRCh37 (hg19) VCF-style: chr2-39262577-C-T.
Other names: c.908G>A, p.Arg303His (NM_001382394.1); c.929G>A, p.Arg310His (NM_001382395.1); short protein forms R310H, R303H.
Identifiers: ClinVar variation 45381 (VCV000045381.23), dbSNP rs143481916, ClinGen allele CA136190.

ClinVar aggregate classification (germline): Conflicting classifications of pathogenicity. Review status: criteria provided, conflicting classifications (1 of 4 stars). 7 submissions from 6 submitters: Uncertain significance (2); Likely benign (5). Last evaluated 2025-12-08.

Conditions:
Cardiovascular phenotype. Identifiers: MedGen CN230736.
RASopathy. Also called: rasopathies; Noonan spectrum disorder. Identifiers: Orphanet 536391, MedGen C5555857, MONDO:0021060.
Noonan syndrome 4 (NS4). Also called: NOONAN SYNDROME WITH PIGMENTED VILLONODULAR SYNOVITIS; SOS1-Related Noonan Syndrome. Identifiers: Orphanet 648, MedGen C1853120, MONDO:0012547, OMIM 610733.
Fibromatosis, gingival, 1 (GINGF1). Identifiers: Orphanet 2024, MedGen C4551558, MONDO:0007609, OMIM 135300.

Allele frequency attached by ClinVar (database versions not stated): gnomAD 0.00006 and 0.00007; ExAC 0.00010; gnomAD exomes 0.00010; TOPMed 0.00010; ESP Exome Variant Server 0.00015; 1000 Genomes Project 0.00040; 1000 Genomes Project 30x 0.00062.
gnomAD v4.1: 153 of 1,613,678 alleles (0.0095%); highest among the groups gnomAD compares: East Asian, 0.054%; no homozygotes.

Submissions (7):

Labcorp Genetics (formerly Invitae), Labcorp
Classification: Likely benign for RASopathy. Last evaluated: 2025-12-08. Review status: criteria provided, single submitter. Criteria: Invitae Variant Classification Sherloc (09022015). Collection method: clinical testing. Allele origin: germline.

Blueprint Genetics
Classification: Likely benign. Last evaluated: 2024-09-03. Review status: criteria provided, single submitter. Criteria: ACMG Guidelines, 2015. Collection method: clinical testing. Allele origin: germline.

Ambry Genetics
Classification: Likely benign for Cardiovascular phenotype. Last evaluated: 2021-10-12. Review status: criteria provided, single submitter. Criteria: Ambry Variant Classification Scheme 2023. Collection method: clinical testing. Allele origin: germline.

GeneDx
Classification: Likely benign. Last evaluated: 2019-07-30. Review status: criteria provided, single submitter. Criteria: GeneDx Variant Classification Process June 2021. Collection method: clinical testing. Allele origin: germline. Affected: yes.

Illumina Laboratory Services, Illumina
Classification: Uncertain significance for Noonan syndrome 4. Last evaluated: 2018-01-12. Review status: criteria provided, single submitter. Criteria: ICSL Variant Classification Criteria 13 December 2019. Collection method: clinical testing. Allele origin: germline.

Illumina Laboratory Services, Illumina
Classification: Likely benign for Fibromatosis, gingival, 1. Last evaluated: 2018-01-12. Review status: criteria provided, single submitter. Criteria: ICSL Variant Classification Criteria 13 December 2019. Collection method: clinical testing. Allele origin: germline.
Comment: This variant was observed in the ICSL laboratory as part of a predisposition screen in an ostensibly healthy population. It had not been previously curated by ICSL or reported in the Human Gene Mutation Database (HGMD: prior to June 1st, 2018), and was therefore a candidate for classification through an automated scoring system. Utilizing variant allele frequency, disease prevalence and penetrance estimates, and inheritance mode, an automated score was calculated to assess if this variant is too frequent to cause the disease. Based on the score and internal cut-off values, a variant classified as likely benign is not then subjected to further curation. The score for this variant resulted in a classification of likely benign for this disease.

Laboratory for Molecular Medicine, Mass General Brigham Personalized Medicine
Classification: Uncertain significance. Last evaluated: 2011-08-26. Review status: criteria provided, single submitter. Criteria: LMM Criteria. Collection method: clinical testing. Allele origin: germline. Inheritance: Autosomal dominant inheritance. Observed: 2 variant alleles.
Comment: Variant classified as Uncertain Significance - Favor Benign. The Arg310His varia nt has not been reported in the literature or identified in our laboratory in ov er 1,500 individuals. Computational analyses (PolyPhen, SIFT, AlignGVGD) do not suggest a high likelihood of impact to the protein primarily based upon a lack o f conservation across species including mammals. In particular, mouse, elephant, opossum, chicken, and frog have a histidine (His) at this position despite high nearby amino acid conservation. It should be noted that the sensitivity and spe cificity of these computational programs has not been determined by our laborato ry. Therefore, the clinical significance of this variant cannot be determined at this time; however based upon the arguments above, we would lean towards a more likely benign role.